The following is an entry in ClinVar:

NM_014290.3(TDRD7):c.1760A>G (p.Asp587Gly)

Gene: TDRD7 (tudor domain containing 7; plus strand). Cytogenetic location: 9q22.33.
Variant type: single nucleotide variant.
Coding change: c.1760A>G on transcript NM_014290.3 (MANE Select); coding-DNA position 1760, A replaced by G.
Protein change: p.Asp587Gly; replaces aspartic acid 587 with glycine.
Molecular consequence: missense variant.
Genome position (GRCh38, 1-based): chr9:97,472,311, A>G. VCF-style: chr9-97472311-A-G. GRCh37 (hg19) VCF-style: chr9-100234593-A-G.
Other names: c.1538A>G, p.Asp513Gly (NM_001302884.2); short protein forms D513G, D587G.
Identifiers: ClinVar variation 954825 (VCV000954825.9), dbSNP rs1828932238, ClinGen allele CA374169615.

ClinVar aggregate classification (germline): Uncertain significance (1 of 4 stars; one submission).

Conditions:
Cataract 36. Identifiers: MedGen C3151304, MONDO:0013484, OMIM 613887.

Submission:

Labcorp Genetics (formerly Invitae), Labcorp
Classification: Uncertain significance for Cataract 36. Last evaluated: 2019-11-05. Review status: criteria provided, single submitter. Criteria: Invitae Variant Classification Sherloc (09022015). Collection method: clinical testing. Allele origin: germline.
Comment: In summary, the available evidence is currently insufficient to determine the role of this variant in disease. Therefore, it has been classified as a Variant of Uncertain Significance. Algorithms developed to predict the effect of sequence changes on RNA splicing suggest that this variant may create or strengthen a splice site, but this prediction has not been confirmed by published transcriptional studies. Algorithms developed to predict the effect of missense changes on protein structure and function are either unavailable or do not agree on the potential impact of this missense change (SIFT: "Tolerated"; PolyPhen-2: "Probably Damaging"; Align-GVGD: "Class C0"). This variant has not been reported in the literature in individuals with TDRD7-related conditions. This variant is not present in population databases (ExAC no frequency). This sequence change replaces aspartic acid with glycine at codon 587 of the TDRD7 protein (p.Asp587Gly). The aspartic acid residue is moderately conserved and there is a moderate physicochemical difference between aspartic acid and glycine.